The following is an entry in ClinVar:

NM_006734.4(HIVEP2):c.1969A>C (p.Asn657His)

Gene: HIVEP2 (HIVEP zinc finger 2; minus strand). Cytogenetic location: 6q24.2.
Variant type: single nucleotide variant.
Coding change: c.1969A>C on transcript NM_006734.4 (MANE Select); coding-DNA position 1969, A replaced by C.
Protein change: p.Asn657His; replaces asparagine 657 with histidine.
Molecular consequence: missense variant.
Genome position (GRCh38, 1-based): chr6:142,772,770, T>G on the plus strand (A>C on the coding strand, the complement: HIVEP2 is on the minus strand). VCF-style: chr6-142772770-T-G. GRCh37 (hg19) VCF-style: chr6-143093907-T-G.
Other names: short protein forms N657H.
Identifiers: ClinVar variation 2536469 (VCV002536469.3), dbSNP rs1202398970, ClinGen allele CA365911706.

ClinVar aggregate classification (germline): Uncertain significance. Review status: criteria provided, multiple submitters, no conflicts (2 of 4 stars). 2 submissions from 2 submitters: Uncertain significance (2). Last evaluated 2026-05-08.

Conditions:
Inborn genetic diseases. Identifiers: MedGen C0950123, MeSH D030342.

Allele frequency attached by ClinVar (database versions not stated): gnomAD 0.00001; TOPMed 0.00001.
gnomAD v4.1: 8 of 1,614,092 alleles (0.0005%); highest among the groups gnomAD compares: Non-Finnish European, 0.00068%; no homozygotes.

Submissions (2):

Women's Health and Genetics/Laboratory Corporation of America, LabCorp
Classification: Uncertain significance. Last evaluated: 2026-05-08. Review status: criteria provided, single submitter. Criteria: LabCorp Variant Classification Summary - May 2015. Collection method: clinical testing. Allele origin: germline.
Comment: Variant summary: HIVEP2 c.1969A>C (p.Asn657His) results in a conservative amino acid change in the encoded protein sequence. Algorithms developed to predict the effect of missense changes on protein structure and function all suggest that this variant is likely to be tolerated. The variant was absent in 249536 control chromosomes. The available data on variant occurrences in the general population are insufficient to allow any conclusion about variant significance. To our knowledge, no occurrence of c.1969A>C in individuals affected with HIVEP2-related conditions and no experimental evidence demonstrating its impact on protein function have been reported. ClinVar contains an entry for this variant (Variation ID: 2536469). Based on the evidence outlined above, the variant was classified as uncertain significance.

Ambry Genetics
Classification: Uncertain significance for Inborn genetic diseases. Last evaluated: 2023-04-12. Review status: criteria provided, single submitter. Criteria: Ambry Variant Classification Scheme 2023. Collection method: clinical testing. Allele origin: germline.